The following is an entry in ClinVar:

ClinVar aggregate classification (germline): Pathogenic/Likely pathogenic. Review status: criteria provided, multiple submitters, no conflicts (2 of 4 stars). 4 submissions from 4 submitters: Pathogenic (1); Likely pathogenic (2). 1 of the submissions does not count toward it. Last evaluated 2025-02-27.

Conditions:
CFTR-related disorder (CFTR-RD). Also called: CFTR-related condition; CFTR-related disorders. Identifiers: MedGen C5924204, MONDO:7770004.
Bronchiectasis with or without elevated sweat chloride 1 (BESC1). Also called: Cystic Fibrosis-Like Syndrome. Identifiers: Orphanet 60033, MedGen C2749757, MONDO:0008887, OMIM 211400.
Cystic fibrosis (CF). Also called: MUCOVISCIDOSIS. Identifiers: Orphanet 586, MedGen C0010674, MONDO:0009061, OMIM 219700. Disease mechanism: loss of function.

Submissions (4):

Natera, Inc.
Classification: Likely pathogenic for CFTR-related disorders. Last evaluated: 2025-02-27. Review status: criteria provided, single submitter. Criteria: Natera Variant Classification Schema (03/2026). Collection method: clinical testing. Allele origin: germline.
Comment: The c.3495delG variant in CFTR is a frameshift variant predicted to shift the reading frame beginning at codon 1165 and leads to a stop codon 27 codons downstream. This variant is expected to result in nonsense mediated decay, truncation, or a dysfunctional protein product. This variant is rare in the general population with a frequency below the threshold expected for the associated phenotype(s). Given the available evidence, this variant is classified as Likely Pathogenic.

Baylor Genetics
Classification: Likely pathogenic for Bronchiectasis with or without elevated sweat chloride 1. Last evaluated: 2023-06-03. Review status: criteria provided, single submitter. Criteria: ACMG Guidelines, 2015. Collection method: clinical testing. Allele origin: unknown.

Women's Health and Genetics/Laboratory Corporation of America, LabCorp
Classification: Pathogenic for Cystic fibrosis. Last evaluated: 2023-05-22. Review status: criteria provided, single submitter. Criteria: LabCorp Variant Classification Summary - May 2015. Collection method: clinical testing. Allele origin: germline.
Comment: Variant summary: CFTR c.3495delG (p.Lys1165AsnfsX27) results in a premature termination codon, predicted to cause a truncation of the encoded protein or absence of the protein due to nonsense mediated decay, which are commonly known mechanisms for disease. The variant was absent in 250736 control chromosomes (gnomAD). To our knowledge, no occurrence of c.3495delG in individuals affected with Cystic Fibrosis and no experimental evidence demonstrating its impact on protein function have been reported. One clinical diagnostic laboratory has submitted clinical-significance assessments for this variant to ClinVar after 2014 and classified the variant as likely pathogenic. Based on the evidence outlined above, the variant was classified as pathogenic.

Counsyl
Classification: Likely pathogenic for Cystic fibrosis. Last evaluated: 2016-06-15. Review status: no assertion criteria provided. Collection method: clinical testing. Allele origin: unknown. Not counted in ClinVar's aggregate classification.

NM_000492.4(CFTR):c.3495del (p.Lys1165fs)

Genes: CFTR (CF transmembrane conductance regulator; plus strand), CFTR-AS2 (CFTR antisense RNA 2; minus strand). Cytogenetic location: 7q31.2.
Variant type: Deletion.
Coding change: c.3495del on transcript NM_000492.4 (MANE Select); coding-DNA position 3495, one base deleted (G; older notation c.3495delG).
Protein change: p.Lys1165fs; shifts the reading frame from lysine 1165.
Molecular consequence: frameshift variant.
Genome position (GRCh38, 1-based): chr7:117,627,548, G deleted. VCF-style (leftmost placement, unchanged base first): chr7-117627547-AG-A. GRCh37 (hg19) VCF-style: chr7-117267601-AG-A.
Other names: c.3495delG (NM_000492.3); short protein forms K1165fs.
Identifiers: ClinVar variation 371056 (VCV000371056.6), dbSNP rs1057516970, ClinGen allele CA16041136.
Genomic context (GRCh38, chr7:117,627,547, plus strand): 5'-TCTTAAAAACAAAAATGTTGTTATTTTTATTTCAGATGCGATCTGTGAGCCGAGTCTTTA[AG>A]TTCATTGACATGCCAACAGAAGGTAAACCTACCAAGTCAACCAAACCATACAAGAATGGC-3'